The following is an entry in ClinVar:

NM_212482.4(FN1):c.5401_5402delinsTT (p.Glu1801Leu)

Gene: FN1 (fibronectin 1; minus strand). Cytogenetic location: 2q35.
Variant type: Indel.
Coding change: c.5401_5402delinsTT on transcript NM_212482.4 (MANE Select); coding-DNA positions 5401 to 5402, GA replaced by TT.
Protein change: p.Glu1801Leu; replaces glutamic acid 1801 with leucine.
Molecular consequence: missense variant. On other transcripts: intron variant (10).
Genome position (GRCh38, 1-based): chr2:215,380,843-215,380,844, TC replaced by AA on the plus strand (GA replaced by TT on the coding strand, the reverse complement: FN1 is on the minus strand). VCF-style: chr2-215380843-TC-AA. GRCh37 (hg19) VCF-style: chr2-216245566-TC-AA.
Other names: c.5401_5402delinsTT, p.Glu1801Leu (NM_001306129.2); c.5128_5129delinsTT, p.Glu1710Leu (NM_001365518.2, NM_001365520.2, NM_001365524.2 and 2 more transcripts); c.4891+1368_4891+1369delinsTT (NM_212474.3, NM_001306132.2, NM_001365523.2 and 2 more transcripts); c.5164+1368_5164+1369delinsTT (NM_001306130.2, NM_001365522.2, NM_001365519.2 and 2 more transcripts); short protein forms E1710L, E1801L.
Identifiers: ClinVar variation 3067808 (VCV003067808.22), dbSNP rs2469519837, ClinGen allele CA2825001087.

ClinVar aggregate classification (germline): Uncertain significance. Review status: criteria provided, multiple submitters, no conflicts (2 of 4 stars). 2 submissions from 2 submitters: Uncertain significance (2). Last evaluated 2024-03-01.

Conditions:
Glomerulopathy with fibronectin deposits 2 (GFND2). Identifiers: Orphanet 84090, MedGen C1866075, MONDO:0011165, OMIM 601894.
Spondylometaphyseal dysplasia - Sutcliffe type. Also called: Sutcliffe type of spondylometaphyseal dysplasia; Sutcliffe SMD; Spondylometaphyseal Dysplasia, Corner Fracture Type; Spondylometaphyseal dysplasia, 'corner fracture' type. Identifiers: Orphanet 93315, MedGen C0432221, MONDO:0008479, OMIM 184255.

Submissions (2):

CeGaT Center for Human Genetics Tuebingen
Classification: Uncertain significance. Last evaluated: 2024-03-01. Review status: criteria provided, single submitter. Criteria: CeGaT Center For Human Genetics Tuebingen Variant Classification Criteria Version 2. Collection method: clinical testing. Allele origin: germline. Affected: yes. Observed: 1 variant allele.
Comment: FN1: PM2, PP3

Fulgent Genetics
Classification: Uncertain significance for Spondylometaphyseal dysplasia - Sutcliffe type; Glomerulopathy with fibronectin deposits 2. Last evaluated: 2024-01-30. Review status: criteria provided, single submitter. Criteria: ACMG Guidelines, 2015. Collection method: clinical testing. Allele origin: germline.